The following is an entry in ClinVar:

ClinVar aggregate classification (germline): Uncertain significance. Review status: criteria provided, multiple submitters, no conflicts (2 of 4 stars). 2 submissions from 2 submitters: Uncertain significance (2). Last evaluated 2022-09-14.

Conditions:
Dilated cardiomyopathy 1O (CMD1O). Also called: CARDIOMYOPATHY, DILATED, WITH VENTRICULAR TACHYCARDIA. Identifiers: Orphanet 154, MedGen C1837839, MONDO:0012062, OMIM 608569.

gnomAD v4.1: 1 of 1,614,008 alleles (0.000062%); highest among the groups gnomAD compares: Non-Finnish European, 0.000085%; no homozygotes.

Submissions (2):

Labcorp Genetics (formerly Invitae), Labcorp
Classification: Uncertain significance for Dilated cardiomyopathy 1O. Last evaluated: 2022-09-14. Review status: criteria provided, single submitter. Criteria: Invitae Variant Classification Sherloc (09022015). Collection method: clinical testing. Allele origin: germline.
Comment: This sequence change replaces serine, which is neutral and polar, with cysteine, which is neutral and slightly polar, at codon 1520 of the ABCC9 protein (p.Ser1520Cys). This variant is present in population databases (no rsID available, gnomAD 0.0009%). This variant has not been reported in the literature in individuals affected with ABCC9-related conditions. ClinVar contains an entry for this variant (Variation ID: 623799). Advanced modeling of protein sequence and biophysical properties (such as structural, functional, and spatial information, amino acid conservation, physicochemical variation, residue mobility, and thermodynamic stability) performed at Invitae indicates that this missense variant is not expected to disrupt ABCC9 protein function. In summary, the available evidence is currently insufficient to determine the role of this variant in disease. Therefore, it has been classified as a Variant of Uncertain Significance.

CeGaT Center for Human Genetics Tuebingen
Classification: Uncertain significance. Last evaluated: 2018-05-01. Review status: criteria provided, single submitter. Criteria: CeGaT Center For Human Genetics Tuebingen Variant Classification Criteria Version 2. Collection method: clinical testing. Allele origin: germline. Affected: yes. Observed: 1 variant allele.

NM_020297.4(ABCC9):c.4512+733C>G

Genes: ABCC9 (ATP binding cassette subfamily C member 9; minus strand), KCNJ8-AS1 (KCNJ8 antisense RNA 1; plus strand). Cytogenetic location: 12p12.1.
Variant type: single nucleotide variant.
Coding change: c.4512+733C>G on transcript NM_020297.4 (MANE Select); 733 bases into the intron after coding-DNA position 4512, C replaced by G.
Molecular consequence: intron variant. On other transcripts: missense variant (1).
Genome position (GRCh38, 1-based): chr12:21,805,265, G>C on the plus strand (C>G on the coding strand, the complement: ABCC9 is on the minus strand). VCF-style: chr12-21805265-G-C. GRCh37 (hg19) VCF-style: chr12-21958199-G-C.
Other names: c.4559C>G, p.Ser1520Cys (NM_005691.4); c.3645+733C>G (NM_001377274.1); c.4512+733C>G (NM_001377273.1); short protein forms S1520C.
Identifiers: ClinVar variation 623799 (VCV000623799.47), dbSNP rs1416247885, ClinGen allele CA384129332.
Genomic context (GRCh38, chr12:21,805,265, plus strand): 5'-AGGCCATTCTTGTGGGCGAGCAAATTTGGGACAGTATCACACTCCACTAAAATACCCTCA[G>C]AAAAGACTAAAACAAGGCCTGCATCCATAATAGAAGAGACACGGTGCTGGAGAGAAAAAT-3'